The following is an entry in ClinVar:

ClinVar aggregate classification (germline): Uncertain significance. Review status: criteria provided, multiple submitters, no conflicts (2 of 4 stars). 2 submissions from 2 submitters: Uncertain significance (2). Last evaluated 2025-06-30.

gnomAD v4.1: 6 of 1,613,830 alleles (0.00037%); highest among the groups gnomAD compares: South Asian, 0.0033%; 1 homozygote.

Submissions (2):

GeneDx
Classification: Uncertain significance. Last evaluated: 2025-06-30. Review status: criteria provided, single submitter. Criteria: GeneDx Variant Classification Process June 2021. Collection method: clinical testing. Allele origin: germline. Affected: yes.
Comment: In silico analysis suggests that this missense variant does not alter protein structure/function; In silico analysis is inconclusive as to whether the variant alters gene splicing. In the absence of RNA/functional studies, the actual effect of this sequence change is unknown.; Has not been previously published as pathogenic or benign to our knowledge

Labcorp Genetics (formerly Invitae), Labcorp
Classification: Uncertain significance. Last evaluated: 2025-05-19. Review status: criteria provided, single submitter. Criteria: Invitae Variant Classification Sherloc (09022015). Collection method: clinical testing. Allele origin: germline.
Comment: This sequence change replaces glutamine, which is neutral and polar, with glutamic acid, which is acidic and polar, at codon 2317 of the ACAN protein (p.Gln2317Glu). This variant is present in population databases (no rsID available, gnomAD 0.006%), including at least one homozygous and/or hemizygous individual. This variant has not been reported in the literature in individuals affected with ACAN-related conditions. An algorithm developed to predict the effect of missense changes on protein structure and function (PolyPhen-2) suggests that this variant is likely to be disruptive. In summary, the available evidence is currently insufficient to determine the role of this variant in disease. Therefore, it has been classified as a Variant of Uncertain Significance.

NM_001369268.1(ACAN):c.7063C>G (p.Gln2355Glu)

Gene: ACAN (aggrecan; plus strand). Cytogenetic location: 15q26.1.
Variant type: single nucleotide variant.
Coding change: c.7063C>G on transcript NM_001369268.1 (MANE Select); coding-DNA position 7063, C replaced by G.
Protein change: p.Gln2355Glu; replaces glutamine 2355 with glutamic acid.
Molecular consequence: missense variant.
Genome position (GRCh38, 1-based): chr15:88,871,384, C>G. VCF-style: chr15-88871384-C-G. GRCh37 (hg19) VCF-style: chr15-89414615-C-G.
Other names: c.6835C>G, p.Gln2279Glu (NM_001135.4, NM_001411096.1); c.6949C>G, p.Gln2317Glu (NM_001411097.1, NM_013227.4); short protein forms Q2279E, Q2317E, Q2355E.
Identifiers: ClinVar variation 4681083 (VCV004681083.2).